The following is an entry in ClinVar:

ClinVar aggregate classification (germline): Uncertain significance (1 of 4 stars; one submission).

Conditions:
Neuroblastoma, susceptibility to, 3. Also called: ALK-Related Neuroblastic Tumor Susceptibility. Identifiers: Orphanet 635, MedGen C2751681, MONDO:0013083, OMIM 613014.

Submission:

Labcorp Genetics (formerly Invitae), Labcorp
Classification: Uncertain significance for Neuroblastoma, susceptibility to, 3. Last evaluated: 2021-01-19. Review status: criteria provided, single submitter. Criteria: Invitae Variant Classification Sherloc (09022015). Collection method: clinical testing. Allele origin: germline.
Comment: In summary, the available evidence is currently insufficient to determine the role of this variant in disease. Therefore, it has been classified as a Variant of Uncertain Significance. Algorithms developed to predict the effect of missense changes on protein structure and function are either unavailable or do not agree on the potential impact of this missense change (SIFT: "Deleterious"; PolyPhen-2: "Benign"; Align-GVGD: "Class C0"). This variant has not been reported in the literature in individuals with ALK-related conditions. This variant is not present in population databases (ExAC no frequency). This sequence change replaces valine with glycine at codon 155 of the ALK protein (p.Val155Gly). The valine residue is weakly conserved and there is a moderate physicochemical difference between valine and glycine.

NM_004304.5(ALK):c.464T>G (p.Val155Gly)

Gene: ALK (ALK receptor tyrosine kinase; minus strand). Cytogenetic location: 2p23.1.
Variant type: single nucleotide variant.
Coding change: c.464T>G on transcript NM_004304.5 (MANE Select); coding-DNA position 464, T replaced by G.
Protein change: p.Val155Gly; replaces valine 155 with glycine.
Molecular consequence: missense variant.
Genome position (GRCh38, 1-based): chr2:29,920,196, A>C on the plus strand (T>G on the coding strand, the complement: ALK is on the minus strand). VCF-style: chr2-29920196-A-C. GRCh37 (hg19) VCF-style: chr2-30143062-A-C.
Other names: short protein forms V155G.
Identifiers: ClinVar variation 1503527 (VCV001503527.8), dbSNP rs1206463887, ClinGen allele CA346589989.
Genomic context (GRCh38, chr2:29,920,196, plus strand): 5'-CTGAACAGCTCGCTGAGATTGAACTGGAGCAGCCCCACAGCCGCCTCCCCGGGGGGCCCG[A>C]CGCAACCCTCCAAGATCGCCTCCTCGCCCAGCTCCAGCACCAACTGCTTGGCACGCCGGA-3'
Protein context (NP_004295.2, residues 145-165): LGEEAILEGC[Val155Gly]GPPGEAAVGL